The following is an entry in ClinVar:

ClinVar aggregate classification (germline): Uncertain significance (1 of 4 stars; one submission).

Allele frequency attached by ClinVar (database versions not stated): gnomAD exomes below 0.00001.
gnomAD v4.1: 3 of 1,575,272 alleles (0.00019%); highest among the groups gnomAD compares: Non-Finnish European, 0.00026%; no homozygotes.

Submission:

Labcorp Genetics (formerly Invitae), Labcorp
Classification: Uncertain significance. Last evaluated: 2025-05-25. Review status: criteria provided, single submitter. Criteria: Invitae Variant Classification Sherloc (09022015). Collection method: clinical testing. Allele origin: germline.
Comment: This sequence change replaces aspartic acid, which is acidic and polar, with glycine, which is neutral and non-polar, at codon 1589 of the COL11A2 protein (p.Asp1589Gly). This variant is not present in population databases (gnomAD no frequency). This variant has not been reported in the literature in individuals affected with COL11A2-related conditions. ClinVar contains an entry for this variant (Variation ID: 1938077). Invitae Evidence Modeling of protein sequence and biophysical properties (such as structural, functional, and spatial information, amino acid conservation, physicochemical variation, residue mobility, and thermodynamic stability) indicates that this missense variant is expected to disrupt COL11A2 protein function with a positive predictive value of 80%. In summary, the available evidence is currently insufficient to determine the role of this variant in disease. Therefore, it has been classified as a Variant of Uncertain Significance.

NM_080680.3(COL11A2):c.4766A>G (p.Asp1589Gly)

Gene: COL11A2 (collagen type XI alpha 2 chain; minus strand). Cytogenetic location: 6p21.32.
Variant type: single nucleotide variant.
Coding change: c.4766A>G on transcript NM_080680.3 (MANE Select); coding-DNA position 4766, A replaced by G.
Protein change: p.Asp1589Gly; replaces aspartic acid 1589 with glycine.
Molecular consequence: missense variant.
Genome position (GRCh38, 1-based): chr6:33,164,949, T>C on the plus strand (A>G on the coding strand, the complement: COL11A2 is on the minus strand). VCF-style: chr6-33164949-T-C. GRCh37 (hg19) VCF-style: chr6-33132726-T-C.
Other names: c.4445A>G, p.Asp1482Gly (NM_080679.3); c.4508A>G, p.Asp1503Gly (NM_080681.3); short protein forms D1503G, D1482G, D1589G.
Identifiers: ClinVar variation 1938077 (VCV001938077.5), dbSNP rs2534416723, ClinGen allele CA363617828.